The following is an entry in ClinVar:

ClinVar aggregate classification (germline): Uncertain significance (1 of 4 stars; one submission).

Conditions:
Agammaglobulinemia 2, autosomal recessive (AGM2). Also called: AGAMMAGLOBULINEMIA, AUTOSOMAL RECESSIVE, DUE TO IGLL1 DEFECT. Identifiers: MedGen C3150750, MONDO:0013287, OMIM 613500.

Allele frequency attached by ClinVar (database versions not stated): gnomAD exomes 0.00004 and 0.00005; gnomAD 0.00007 and 0.00008; TOPMed 0.00007; ExAC 0.00017.
gnomAD v4.1: 81 of 1,613,476 alleles (0.005%); highest among the groups gnomAD compares: African/African-American, 0.017%; no homozygotes.

Submission:

Labcorp Genetics (formerly Invitae), Labcorp
Classification: Uncertain significance for Agammaglobulinemia 2, autosomal recessive. Last evaluated: 2024-05-02. Review status: criteria provided, single submitter. Criteria: Invitae Variant Classification Sherloc (09022015). Collection method: clinical testing. Allele origin: germline.
Comment: This sequence change replaces arginine, which is basic and polar, with glycine, which is neutral and non-polar, at codon 81 of the IGLL1 protein (p.Arg81Gly). The frequency data for this variant in the population databases is considered unreliable, as metrics indicate poor data quality at this position in the gnomAD database. This variant has not been reported in the literature in individuals affected with IGLL1-related conditions. ClinVar contains an entry for this variant (Variation ID: 1376935). An algorithm developed to predict the effect of missense changes on protein structure and function (PolyPhen-2) suggests that this variant is likely to be tolerated. In summary, the available evidence is currently insufficient to determine the role of this variant in disease. Therefore, it has been classified as a Variant of Uncertain Significance.

NM_020070.4(IGLL1):c.241A>G (p.Arg81Gly)

Gene: IGLL1 (immunoglobulin lambda like polypeptide 1; minus strand). Cytogenetic location: 22q11.23.
Variant type: single nucleotide variant.
Coding change: c.241A>G on transcript NM_020070.4 (MANE Select); coding-DNA position 241, A replaced by G.
Protein change: p.Arg81Gly; replaces arginine 81 with glycine.
Molecular consequence: missense variant. On other transcripts: intron variant (1).
Genome position (GRCh38, 1-based): chr22:23,575,048, T>C on the plus strand (A>G on the coding strand, the complement: IGLL1 is on the minus strand). VCF-style: chr22-23575048-T-C. GRCh37 (hg19) VCF-style: chr22-23917235-T-C.
Other names: c.244A>G, p.Arg82Gly (NM_001369906.1); c.207-1463A>G (NM_152855.3); short protein forms R82G, R81G.
Identifiers: ClinVar variation 1376935 (VCV001376935.8), dbSNP rs146980954, ClinGen allele CA10143370.